The following is an entry in ClinVar:

ClinVar aggregate classification (germline): Uncertain significance (1 of 4 stars; one submission).

Conditions:
Generalized epilepsy-paroxysmal dyskinesia syndrome (PNKD3). Also called: Paroxysmal nonkinesigenic dyskinesia, 3, with or without generalized epilepsy; Generalized epilepsy and paroxysmal dyskinesia. Identifiers: Orphanet 79137, MedGen C5574945, MONDO:0012276, OMIM 609446.

Submission:

Labcorp Genetics (formerly Invitae), Labcorp
Classification: Uncertain significance for Generalized epilepsy-paroxysmal dyskinesia syndrome. Last evaluated: 2025-08-30. Review status: criteria provided, single submitter. Criteria: Invitae Variant Classification Sherloc (09022015). Collection method: clinical testing. Allele origin: germline.
Comment: This sequence change replaces aspartic acid, which is acidic and polar, with histidine, which is basic and polar, at codon 853 of the KCNMA1 protein (p.Asp853His). This variant is not present in population databases (gnomAD no frequency). This variant has not been reported in the literature in individuals affected with KCNMA1-related conditions. ClinVar contains an entry for this variant (Variation ID: 3678048). Invitae Evidence Modeling of protein sequence and biophysical properties (such as structural, functional, and spatial information, amino acid conservation, physicochemical variation, residue mobility, and thermodynamic stability) has been performed for this missense variant. However, the output from this modeling did not meet the statistical confidence thresholds required to predict the impact of this variant on KCNMA1 protein function. In summary, the available evidence is currently insufficient to determine the role of this variant in disease. Therefore, it has been classified as a Variant of Uncertain Significance.

NM_001161352.2(KCNMA1):c.2731G>C (p.Asp911His)

Genes: KCNMA1-AS1 (KCNMA1 antisense RNA 1; plus strand), KCNMA1 (potassium calcium-activated channel subfamily M alpha 1; minus strand). Cytogenetic location: 10q22.3.
Variant type: single nucleotide variant.
Coding change: c.2731G>C on transcript NM_001161352.2 (MANE Select); coding-DNA position 2731, G replaced by C.
Protein change: p.Asp911His; replaces aspartic acid 911 with histidine.
Molecular consequence: missense variant.
Genome position (GRCh38, 1-based): chr10:76,944,944, C>G on the plus strand (G>C on the coding strand, the complement: KCNMA1 is on the minus strand). VCF-style: chr10-76944944-C-G. GRCh37 (hg19) VCF-style: chr10-78704702-C-G.
Other names: c.2569G>C, p.Asp857His (NM_001014797.3, NM_001322835.2, NM_001322837.2); c.2680G>C, p.Asp894His (NM_001161353.2); c.2407G>C, p.Asp803His (NM_001271518.2); c.2566G>C, p.Asp856His (NM_001271519.2, NM_001322829.2, NM_001322836.2); c.2578G>C, p.Asp860His (NM_001322830.2); c.2557G>C, p.Asp853His (NM_001322832.2, NM_001410940.1, NM_002247.4); c.2104G>C, p.Asp702His (NM_001322838.2); short protein forms D856H, D894H, D803H, D860H, D857H, D911H, D702H, D853H.
Identifiers: ClinVar variation 3678048 (VCV003678048.2).
Genomic context (GRCh38, chr10:76,944,944, plus strand): 5'-TCTGATTGGCTGACAGGATAACGCACATGTCACAGAGGTTGATGTTGACAGCCCTTAAAT[C>G]AGCCCGACTTAATGGCGTACCCTTTGGCATAGAGGAAAGAAAAAAAAACAGAGATGGGGG-3'
Protein context (NP_001154824.1, residues 901-921): ILPGTPLSRA[Asp911His]LRAVNINLCD